The following is an entry in ClinVar:

ClinVar aggregate classification (germline): Pathogenic/Likely pathogenic. Review status: criteria provided, multiple submitters, no conflicts (2 of 4 stars). 3 submissions from 3 submitters: Pathogenic (1); Likely pathogenic (2). Last evaluated 2024-11-11.

Conditions:
NF1-related disorder. Also called: NF1-related condition. Identifiers: MedGen CN379171.
Hereditary cancer-predisposing syndrome. Also called: Tumor predisposition; Hereditary Cancer Syndrome; Neoplastic Syndromes, Hereditary; Hereditary neoplastic syndrome. Identifiers: Orphanet 140162, MedGen C0027672, MeSH D009386, MONDO:0015356.
Cardiovascular phenotype. Identifiers: MedGen CN230736.
Neurofibromatosis, type 1 (NF1). Also called: NEUROFIBROMATOSIS, TYPE I, SOMATIC; Peripheral type neurofibromatosis; Neurofibromatosis, type I; VON RECKLINGHAUSEN DISEASE. Identifiers: Orphanet 636, MedGen C0027831, MONDO:0018975, OMIM 162200. Disease mechanism: loss of function.

Submissions (3):

NHS Central & South Genomic Laboratory Hub
Classification: Pathogenic for Neurofibromatosis type 1. Last evaluated: 2024-11-11. Review status: criteria provided, single submitter. Criteria: ACMG Guidelines, 2015. Collection method: clinical testing. Allele origin: germline. Affected: yes.

Blueprint Genetics
Classification: Likely pathogenic for NF1-related disorders. Last evaluated: 2021-12-02. Review status: criteria provided, single submitter. Criteria: ACMG Guidelines, 2015. Collection method: clinical testing. Allele origin: germline. Affected: yes. Observed: 1 variant allele.

Ambry Genetics
Classification: Likely pathogenic for Cardiovascular phenotype; Hereditary cancer-predisposing syndrome. Last evaluated: 2017-07-26. Review status: criteria provided, single submitter. Criteria: Ambry Variant Classification Scheme 2023. Collection method: clinical testing. Allele origin: germline.
Comment: The c.479G>A variant (also known as p.R160K), located in coding exon 4 of the NF1 gene, results from a G to A substitution at nucleotide position 479. The amino acid change results in arginine to lysine at codon 160, an amino acid with highly similar properties. However, this change occurs in the last base pair of coding exon 4, which makes it likely to have some effect on normal mRNA splicing. A different nucleotide change at the same position (c.479G>C) has been identified in two individuals meeting NF1 clinical diagnostic criteria and was shown via mRNA analysis to result in exon-skipping (Wimmer K et al. Hum. Mutat., 2007 Jun;28:599-612; Ponti G et al. Hered Cancer Clin Pract, 2011 Aug;9:6). In addition, another different nucleotide change at the same position (c.479G>T) occurred de novo in an individual meeting NF1 diagnostic criteria (Bianchessi D et al. Mol Genet Genomic Med, 2015 Nov;3:513-25; Leiden Open Variation Database-). This nucleotide position is highly conserved in available vertebrate species. Using the BDGP and ESEfinder splice site prediction tools, this alteration is predicted to weaken the efficiency of the native splice donor site; however, direct evidence is unavailable. Based on the majority of available evidence to date, this variant is likely to be pathogenic.

NM_001042492.3(NF1):c.479G>A (p.Arg160Lys)

Gene: NF1 (neurofibromin 1; plus strand). Cytogenetic location: 17q11.2.
Variant type: single nucleotide variant.
Coding change: c.479G>A on transcript NM_001042492.3 (MANE Select); coding-DNA position 479, G replaced by A.
Protein change: p.Arg160Lys; replaces arginine 160 with lysine.
Molecular consequence: missense variant.
Genome position (GRCh38, 1-based): chr17:31,163,376, G>A. VCF-style: chr17-31163376-G-A. GRCh37 (hg19) VCF-style: chr17-29490394-G-A.
Other names: c.479G>A, p.Arg160Lys (NM_000267.4, NM_001128147.3); short protein forms R160K.
Identifiers: ClinVar variation 480206 (VCV000480206.7), dbSNP rs199474752, ClinGen allele CA398982212.